The following is an entry in ClinVar:

NM_003872.3(NRP2):c.1641+29G>A

Gene: NRP2 (neuropilin 2; plus strand). Cytogenetic location: 2q33.3.
Variant type: single nucleotide variant.
Coding change: c.1641+29G>A on transcript NM_003872.3 (MANE Select); 29 bases into the intron after coding-DNA position 1641, G replaced by A.
Molecular consequence: intron variant. On other transcripts: 3 prime UTR variant (1).
Genome position (GRCh38, 1-based): chr2:205,743,581, G>A. VCF-style: chr2-205743581-G-A. GRCh37 (hg19) VCF-style: chr2-206608305-G-A.
Other names: c.*2G>A (NM_201264.2); c.1641+29G>A (NM_201266.2, NM_201279.2, NM_018534.4 and 1 more transcripts).
Identifiers: ClinVar variation 3036333 (VCV003036333.2), dbSNP rs572474850, ClinGen allele CA2069141.

ClinVar aggregate classification (germline): Likely benign (0 of 4 stars; one submission).

Conditions:
NRP2-related disorder. Also called: NRP2-related condition.

Allele frequency attached by ClinVar (database versions not stated): ExAC 0.00002; gnomAD exomes 0.00003; gnomAD 0.00004; TOPMed 0.00006; 1000 Genomes Project 30x 0.00016; 1000 Genomes Project 0.00020.

Submission:

PreventionGenetics, part of Exact Sciences
Classification: Likely benign for NRP2-related condition. Last evaluated: 2022-02-01. Review status: no assertion criteria provided. Collection method: clinical testing. Allele origin: germline.
Comment: This variant is classified as likely benign based on ACMG/AMP sequence variant interpretation guidelines (Richards et al. 2015 PMID: 25741868, with internal and published modifications).